The following is an entry in ClinVar:

ClinVar aggregate classification (germline): Uncertain significance (1 of 4 stars; one submission).

Allele frequency attached by ClinVar (database versions not stated): gnomAD exomes below 0.00001; ExAC 0.00001; TOPMed 0.00002.
gnomAD v4.1: 7 of 1,609,272 alleles (0.00043%); highest among the groups gnomAD compares: African/African-American, 0.0067%; no homozygotes.

Submissions (2):

Labcorp Genetics (formerly Invitae), Labcorp
Classification: Uncertain significance. Last evaluated: 2022-03-26. Review status: criteria provided, single submitter. Criteria: Invitae Variant Classification Sherloc (09022015). Collection method: clinical testing. Allele origin: germline.
Comment: In summary, the available evidence is currently insufficient to determine the role of this variant in disease. Therefore, it has been classified as a Variant of Uncertain Significance. Variants that disrupt the consensus splice site are a relatively common cause of aberrant splicing (PMID: 17576681, 9536098). Algorithms developed to predict the effect of sequence changes on RNA splicing suggest that this variant may disrupt the consensus splice site. Experimental studies and prediction algorithms are not available or were not evaluated, and the functional significance of this variant is currently unknown. This variant has not been reported in the literature in individuals affected with ADSSL1-related conditions. This variant is not present in population databases (gnomAD no frequency). This sequence change affects a donor splice site in intron 12 of the ADSSL1 gene. While this variant is not anticipated to result in nonsense mediated decay, it likely alters RNA splicing and results in a disrupted protein product.

Dr. Peter K. Rogan Lab, Western University
No classification provided (evidence only). Condition: Uterine carcinosarcoma. Review status: no classification provided. Collection method: in vitro. Allele origin: not applicable. Functional consequence: skipped exon, retained intron. Not counted in ClinVar's aggregate classification.

Literature cited by the submitters: PubMed 17576681 (cited by Labcorp Genetics (formerly Invitae), Labcorp); PubMed 9536098 (cited by Labcorp Genetics (formerly Invitae), Labcorp).

NM_152328.5(ADSS1):c.1321+2T>C

Gene: ADSS1 (adenylosuccinate synthase 1; plus strand). Cytogenetic location: 14q32.33.
Variant type: single nucleotide variant.
Coding change: c.1321+2T>C on transcript NM_152328.5 (MANE Select); the canonical splice donor site of the intron after coding-DNA position 1321, T replaced by C.
Molecular consequence: splice donor variant.
Genome position (GRCh38, 1-based): chr14:104,746,387, T>C. VCF-style: chr14-104746387-T-C. GRCh37 (hg19) VCF-style: chr14-105212724-T-C.
Other names: c.1450+2T>C (NM_199165.2); c.706+2T>C (NM_001320424.1).
Identifiers: ClinVar variation 1682034 (VCV001682034.7), dbSNP rs761597174, ClinGen allele CA7374094.
Genomic context (GRCh38, chr14:104,746,387, plus strand): 5'-CCTGCCCCCACAGGCCCAGAACTACATCCGCTTTGTGGAGAATCACGTGGGAGTCGCAGG[T>C]GGGTGCCCTGCATCCCCAGCCACCCTCCCTGCACCCTGGATGCCCCAAGGGGCCCACATC-3'